The following is an entry in ClinVar:

NM_005654.6(NR2F1):c.1192C>G (p.Pro398Ala)

Gene: NR2F1 (nuclear receptor subfamily 2 group F member 1; plus strand). Cytogenetic location: 5q15.
Variant type: single nucleotide variant.
Coding change: c.1192C>G on transcript NM_005654.6 (MANE Select); coding-DNA position 1192, C replaced by G.
Protein change: p.Pro398Ala; replaces proline 398 with alanine.
Molecular consequence: missense variant.
Genome position (GRCh38, 1-based): chr5:93,593,762, C>G. VCF-style: chr5-93593762-C-G. GRCh37 (hg19) VCF-style: chr5-92929468-C-G.
Other names: c.742C>G, p.Pro248Ala (NM_001410754.1); short protein forms P248A, P398A.
Identifiers: ClinVar variation 2809727 (VCV002809727.3), dbSNP rs2480817991, ClinGen allele CA360527989.

ClinVar aggregate classification (germline): Uncertain significance (1 of 4 stars; one submission).

Submission:

Labcorp Genetics (formerly Invitae), Labcorp
Classification: Uncertain significance. Last evaluated: 2022-11-01. Review status: criteria provided, single submitter. Criteria: Invitae Variant Classification Sherloc (09022015). Collection method: clinical testing. Allele origin: germline.
Comment: This sequence change replaces proline, which is neutral and non-polar, with alanine, which is neutral and non-polar, at codon 398 of the NR2F1 protein (p.Pro398Ala). This variant is not present in population databases (gnomAD no frequency). This variant has not been reported in the literature in individuals affected with NR2F1-related conditions. Advanced modeling of protein sequence and biophysical properties (such as structural, functional, and spatial information, amino acid conservation, physicochemical variation, residue mobility, and thermodynamic stability) performed at Invitae indicates that this missense variant is not expected to disrupt NR2F1 protein function. In summary, the available evidence is currently insufficient to determine the role of this variant in disease. Therefore, it has been classified as a Variant of Uncertain Significance.